The following is an entry in ClinVar:

NM_001077365.2(POMT1):c.1233C>A (p.Asp411Glu)

Gene: POMT1 (protein O-mannosyltransferase 1; plus strand). Cytogenetic location: 9q34.13.
Variant type: single nucleotide variant.
Coding change: c.1233C>A on transcript NM_001077365.2 (MANE Select); coding-DNA position 1233, C replaced by A.
Protein change: p.Asp411Glu; replaces aspartic acid 411 with glutamic acid.
Molecular consequence: missense variant. On other transcripts: non-coding transcript variant (10).
Genome position (GRCh38, 1-based): chr9:131,515,483, C>A. VCF-style: chr9-131515483-C-A. GRCh37 (hg19) VCF-style: chr9-134390870-C-A.
Other names: p.D433E:GAC>GAA; c.1071C>A, p.Asp357Glu (NM_001077366.2, NM_001353194.2); c.1233C>A, p.Asp411Glu (NM_001136113.2, NM_001374690.1); c.882C>A, p.Asp294Glu (NM_001136114.2, NM_001353195.2, NM_001374691.1 and 2 more transcripts); c.1299C>A, p.Asp433Glu (NM_001353193.2, NM_007171.4); c.1143C>A, p.Asp381Glu (NM_001353196.2); c.1137C>A, p.Asp379Glu (NM_001353197.2, NM_001353198.2); c.948C>A, p.Asp316Glu (NM_001353199.2); and 3 more; short protein forms D433E, D316E, D379E, D381E, D411E, D259E, D294E, D357E.
Identifiers: ClinVar variation 95455 (VCV000095455.34), dbSNP rs11243406, ClinGen allele CA148548.

ClinVar aggregate classification (germline): Benign/Likely benign. Review status: criteria provided, multiple submitters, no conflicts (2 of 4 stars). 16 submissions from 16 submitters: Benign (10); Likely benign (1). 5 of the submissions do not count toward it. Last evaluated 2026-06-22.

Conditions:
Walker-Warburg congenital muscular dystrophy. Also called: Muscular dystrophy-dystroglycanopathy, type A; Walker-Warburg syndrome. Identifiers: Orphanet 899, MedGen C0265221, MONDO:0000171.
Autosomal recessive limb-girdle muscular dystrophy type 2K. Also called: MUSCULAR DYSTROPHY, LIMB-GIRDLE, TYPE 2K; MUSCULAR DYSTROPHY-DYSTROGLYCANOPATHY (LIMB-GIRDLE), TYPE C, 1. Identifiers: Orphanet 86812, MedGen C1836373, MONDO:0012248, OMIM 609308.
Muscular dystrophy-dystroglycanopathy (congenital with impaired intellectual development), type B, 1. Also called: MUSCULAR DYSTROPHY, CONGENITAL, POMT1-RELATED; Muscular dystrophy-dystroglycanopathy (congenital with intellectual disability), type B1. Identifiers: MedGen C5436962, MONDO:0013159, OMIM 613155.

Allele frequency attached by ClinVar (database versions not stated): ESP Exome Variant Server 0.03637; 1000 Genomes Project 0.01258; TOPMed 0.03360; gnomAD 0.04069; 1000 Genomes Project 30x 0.01280.
gnomAD v4.1: 80,223 of 1,614,088 alleles (5%); highest among the groups gnomAD compares: Non-Finnish European, 6%; 2,326 homozygotes.

Submissions (16):

Women's Health and Genetics/Laboratory Corporation of America, LabCorp
Classification: Likely benign. Last evaluated: 2026-06-22. Review status: criteria provided, single submitter. Criteria: LabCorp Variant Classification Summary - May 2015. Collection method: clinical testing. Allele origin: germline.

Labcorp Genetics (formerly Invitae), Labcorp
Classification: Benign for Muscular dystrophy-dystroglycanopathy (congenital with impaired intellectual development), type B, 1; Walker-Warburg congenital muscular dystrophy; Autosomal recessive limb-girdle muscular dystrophy type 2K. Last evaluated: 2026-02-04. Review status: criteria provided, single submitter. Criteria: Invitae Variant Classification Sherloc (09022015). Collection method: clinical testing. Allele origin: germline.

Athena Diagnostics
Classification: Benign. Last evaluated: 2025-04-03. Review status: criteria provided, single submitter. Criteria: Athena Diagnostics Criteria. Collection method: clinical testing. Allele origin: unknown.
Comment: The frequency of this variant in the general population is higher than would generally be expected for pathogenic variants in this gene.

Blueprint Genetics
Classification: Benign. Last evaluated: 2024-11-27. Review status: criteria provided, single submitter. Criteria: ACMG Guidelines, 2015. Collection method: clinical testing. Allele origin: germline.

Mayo Clinic Laboratories, Mayo Clinic
Classification: Benign. Last evaluated: 2019-09-20. Review status: criteria provided, single submitter. Criteria: ACMG Guidelines, 2015. Collection method: clinical testing. Allele origin: germline. Observed: 104 variant alleles.

Illumina Laboratory Services, Illumina
Classification: Benign for Autosomal recessive limb-girdle muscular dystrophy type 2K. Last evaluated: 2018-01-13. Review status: criteria provided, single submitter. Criteria: ICSL Variant Classification Criteria 13 December 2019. Collection method: clinical testing. Allele origin: germline.
Comment: This variant was observed in the ICSL laboratory as part of a predisposition screen in an ostensibly healthy population. It had not been previously curated by ICSL or reported in the Human Gene Mutation Database (HGMD: prior to June 1st, 2018), and was therefore a candidate for classification through an automated scoring system. Utilizing variant allele frequency, disease prevalence and penetrance estimates, and inheritance mode, an automated score was calculated to assess if this variant is too frequent to cause the disease. Based on the score and internal cut-off values, a variant classified as benign is not then subjected to further curation. The score for this variant resulted in a classification of benign for this disease.

GeneDx
Classification: Benign. Last evaluated: 2013-12-21. Review status: criteria provided, single submitter. Criteria: GeneDx Variant Classification (06012015). Collection method: clinical testing. Allele origin: germline. Affected: yes.
Comment: This variant is considered likely benign or benign based on one or more of the following criteria: it is a conservative change, it occurs at a poorly conserved position in the protein, it is predicted to be benign by multiple in silico algorithms, and/or has population frequency not consistent with disease.

Eurofins Ntd Llc (ga)
Classification: Benign. Last evaluated: 2013-04-23. Review status: criteria provided, single submitter. Criteria: EGL Classification Definitions 2015. Collection method: clinical testing. Allele origin: germline. Observed: 4 variant alleles, 4 heterozygotes.

Genetic Services Laboratory, University of Chicago
Classification: Benign for AllHighlyPenetrant. Last evaluated: 2013-04-03. Review status: criteria provided, single submitter. Criteria: ACMG Guidelines, 2007. Collection method: clinical testing. Allele origin: germline. Inheritance: Autosomal recessive inheritance.

Breakthrough Genomics
Classification: Benign. Review status: criteria provided, single submitter. Criteria: ACMG Guidelines, 2015. Collection method: not provided. Allele origin: germline. Inheritance: Autosomal recessive inheritance. Affected: yes.

PreventionGenetics, part of Exact Sciences
Classification: Benign. Review status: criteria provided, single submitter. Criteria: ACMG Guidelines, 2015. Collection method: clinical testing. Allele origin: germline.

Clinical Genetics DNA and cytogenetics Diagnostics Lab, Erasmus MC, Erasmus Medical Center
Classification: Benign. Review status: no assertion criteria provided. Collection method: clinical testing. Allele origin: germline. Affected: yes. Study: VKGL Data-share Consensus. Not counted in ClinVar's aggregate classification.

Clinical Genetics, Academic Medical Center
Classification: Benign. Review status: no assertion criteria provided. Collection method: clinical testing. Allele origin: germline. Affected: yes. Study: VKGL Data-share Consensus. Not counted in ClinVar's aggregate classification.

Diagnostic Laboratory, Department of Genetics, University Medical Center Groningen
Classification: Benign. Review status: no assertion criteria provided. Collection method: clinical testing. Allele origin: germline. Affected: yes. Study: VKGL Data-share Consensus. Not counted in ClinVar's aggregate classification.

Genome Diagnostics Laboratory, University Medical Center Utrecht
Classification: Likely benign. Review status: no assertion criteria provided. Collection method: clinical testing. Allele origin: germline. Affected: yes. Study: VKGL Data-share Consensus. Not counted in ClinVar's aggregate classification.

Laboratory of Diagnostic Genome Analysis, Leiden University Medical Center (LUMC)
Classification: Likely benign. Review status: no assertion criteria provided. Collection method: clinical testing. Allele origin: germline. Affected: yes. Study: VKGL Data-share Consensus. Not counted in ClinVar's aggregate classification.